The following is an entry in ClinVar:

NM_000059.4(BRCA2):c.7624_7629del (p.Thr2542_Tyr2543del)

Gene: BRCA2 (BRCA2 DNA repair associated; plus strand). Cytogenetic location: 13q13.1.
Variant type: Deletion.
Coding change: c.7624_7629del on transcript NM_000059.4 (MANE Select); coding-DNA positions 7624 to 7629, 6 bases deleted (ACGTAT; older notation c.7624_7629delACGTAT).
Protein change: p.Thr2542_Tyr2543del.
Molecular consequence: non-coding transcript variant (on NR_176251.1).
Genome position (GRCh38, 1-based): chr13:32,357,748-32,357,753, ACGTAT deleted; deleting any 6 consecutive bases within chr13:32,357,744-32,357,753 gives the same sequence; the c. name uses the placement nearest the transcript's 3' end. VCF-style (leftmost placement, unchanged base first): chr13-32357743-TGTATAC-T. GRCh37 (hg19) VCF-style: chr13-32931880-TGTATAC-T.
Other names: c.7528_7533del, p.Thr2510_Tyr2511del (NM_001406719.1); c.7624_7629del, p.Thr2542_Tyr2543del (NM_001406720.1, NM_001432077.1); c.2692_2697del, p.Thr898_Tyr899del (NM_001406721.1); c.1207_1212del, p.Thr403_Tyr404del (NM_001406722.1).
Identifiers: ClinVar variation 5033241 (VCV005033241.1).

ClinVar aggregate classification (germline): Uncertain significance (1 of 4 stars; one submission).

Conditions:
Hereditary cancer-predisposing syndrome. Also called: Neoplastic Syndromes, Hereditary; Tumor predisposition; Hereditary neoplastic syndrome; Hereditary Cancer Syndrome. Identifiers: Orphanet 140162, MedGen C0027672, MeSH D009386, MONDO:0015356.

Submission:

Ambry Genetics
Classification: Uncertain significance for Hereditary cancer-predisposing syndrome. Last evaluated: 2026-06-18. Review status: criteria provided, single submitter. Criteria: Ambry Variant Classification Scheme 2023. Collection method: clinical testing. Allele origin: germline.
Comment: The c.7624_7629delACGTAT variant (also known as p.T2542_Y2543del) is located in coding exon 15 of the BRCA2 gene. This variant results from an in-frame ACGTAT deletion at nucleotide positions 7624 to 7629. This results in the in-frame deletion of two amino acids (TY) at codons 2542 and 2543. These amino acid positions are not well conserved in available vertebrate species. In addition, the in silico prediction for this variant is inconclusive (Choi Y et al. PLoS ONE. 2012; 7(10):e46688). Based on the available evidence, the clinical significance of this variant remains unclear.